The following is an entry in ClinVar:

ClinVar aggregate classification (germline): Uncertain significance (1 of 4 stars; one submission).

Conditions:
Hyperaldosteronism, familial, type IV (HALD4). Also called: FH IV; ALDOSTERONISM, PRIMARY, AND HYPERTENSION. Identifiers: Orphanet 642671, MedGen C4310756, MONDO:0014875, OMIM 617027.
Idiopathic generalized epilepsy. Also called: EIG; Generalised epilepsy. Identifiers: MedGen C0270850, MONDO:0005579, OMIM 600669.

gnomAD v4.1: 7 of 1,583,802 alleles (0.00044%); highest among the groups gnomAD compares: Middle Eastern, 0.017%; no homozygotes.

Submission:

Labcorp Genetics (formerly Invitae), Labcorp
Classification: Uncertain significance for Idiopathic generalized epilepsy; Hyperaldosteronism, familial, type IV. Last evaluated: 2023-12-22. Review status: criteria provided, single submitter. Criteria: Invitae Variant Classification Sherloc (09022015). Collection method: clinical testing. Allele origin: germline.
Comment: This sequence change falls in intron 15 of the CACNA1H gene. It does not directly change the encoded amino acid sequence of the CACNA1H protein. It affects a nucleotide within the consensus splice site. This variant is present in population databases (rs775520795, gnomAD 0.01%). This variant has not been reported in the literature in individuals affected with CACNA1H-related conditions. ClinVar contains an entry for this variant (Variation ID: 2164894). Variants that disrupt the consensus splice site are a relatively common cause of aberrant splicing (PMID: 17576681, 9536098). Algorithms developed to predict the effect of sequence changes on RNA splicing suggest that this variant is not likely to affect RNA splicing. In summary, the available evidence is currently insufficient to determine the role of this variant in disease. Therefore, it has been classified as a Variant of Uncertain Significance.

Literature cited by the submitters: PubMed 17576681; PubMed 9536098.

NM_021098.3(CACNA1H):c.3154+4C>T

Gene: CACNA1H (calcium voltage-gated channel subunit alpha1 H; plus strand). Cytogenetic location: 16p13.3.
Variant type: single nucleotide variant.
Coding change: c.3154+4C>T on transcript NM_021098.3 (MANE Select); 4 bases into the intron after coding-DNA position 3154, C replaced by T.
Molecular consequence: intron variant.
Genome position (GRCh38, 1-based): chr16:1,207,864, C>T. VCF-style: chr16-1207864-C-T. GRCh37 (hg19) VCF-style: chr16-1257864-C-T.
Other names: c.3154+4C>T (NM_001005407.2).
Identifiers: ClinVar variation 2164894 (VCV002164894.4), dbSNP rs775520795, ClinGen allele CA7800634.